The following is an entry in ClinVar:

NM_152564.5(VPS13B):c.4633+4T>C

Gene: VPS13B (vacuolar protein sorting 13 homolog B; plus strand). Cytogenetic location: 8q22.2.
Variant type: single nucleotide variant.
Coding change: c.4633+4T>C on transcript NM_152564.5 (MANE Select); 4 bases into the intron after coding-DNA position 4633, T replaced by C.
Molecular consequence: intron variant.
Genome position (GRCh38, 1-based): chr8:99,511,516, T>C. VCF-style: chr8-99511516-T-C. GRCh37 (hg19) VCF-style: chr8-100523744-T-C.
Other names: c.4708+4T>C (NM_017890.5); c.4633+4T>C (NM_152564.4).
Identifiers: ClinVar variation 940813 (VCV000940813.7), dbSNP rs1384867213, ClinGen allele CA584327514.

ClinVar aggregate classification (germline): Conflicting classifications of pathogenicity. Review status: criteria provided, conflicting classifications (1 of 4 stars). 4 submissions from 4 submitters: Uncertain significance (2); Likely benign (1). 1 of the submissions does not count toward it. Last evaluated 2024-09-08.

Conditions:
Cohen syndrome (COH1). Also called: PEPPER SYNDROME; Cutis verticis gyrata, retinitis pigmentosa, and sensorineural deafness. Identifiers: Orphanet 193, MedGen C0265223, MONDO:0008999, OMIM 216550.
VPS13B-related disorder. Also called: VPS13B-related condition.

Allele frequency attached by ClinVar (database versions not stated): gnomAD exomes below 0.00001 and 0.00001.
gnomAD v4.1: 3 of 1,610,090 alleles (0.00019%); highest among the groups gnomAD compares: Admixed American, 0.0017%; no homozygotes.

Submissions (4):

Women's Health and Genetics/Laboratory Corporation of America, LabCorp
Classification: Uncertain significance. Last evaluated: 2024-09-08. Review status: criteria provided, single submitter. Criteria: LabCorp Variant Classification Summary - May 2015. Collection method: clinical testing. Allele origin: germline.

Labcorp Genetics (formerly Invitae), Labcorp
Classification: Uncertain significance for Cohen syndrome. Last evaluated: 2021-08-28. Review status: criteria provided, single submitter. Criteria: Invitae Variant Classification Sherloc (09022015). Collection method: clinical testing. Allele origin: germline.
Comment: This sequence change falls in intron 29 of the VPS13B gene. It does not directly change the encoded amino acid sequence of the VPS13B protein. It affects a nucleotide within the consensus splice site of the intron. This variant is not present in population databases (ExAC no frequency). This variant has not been reported in the literature in individuals affected with VPS13B-related conditions. Variants that disrupt the consensus splice site are a relatively common cause of aberrant splicing (PMID: 17576681, 9536098). Algorithms developed to predict the effect of sequence changes on RNA splicing suggest that this variant is not likely to affect RNA splicing. In summary, the available evidence is currently insufficient to determine the role of this variant in disease. Therefore, it has been classified as a Variant of Uncertain Significance.

Blueprint Genetics
Classification: Likely benign. Last evaluated: 2019-12-31. Review status: criteria provided, single submitter. Criteria: ACMG Guidelines, 2015. Collection method: clinical testing. Allele origin: germline.

PreventionGenetics, part of Exact Sciences
Classification: Likely benign for VPS13B-related condition. Last evaluated: 2022-07-07. Review status: no assertion criteria provided. Collection method: clinical testing. Allele origin: germline. Not counted in ClinVar's aggregate classification.
Comment: This variant is classified as likely benign based on ACMG/AMP sequence variant interpretation guidelines (Richards et al. 2015 PMID: 25741868, with internal and published modifications).

Literature cited by the submitters: PubMed 17576681 (cited by Labcorp Genetics (formerly Invitae), Labcorp); PubMed 9536098 (cited by Labcorp Genetics (formerly Invitae), Labcorp).